The following is an entry in ClinVar:

NM_000535.7(PMS2):c.826T>C (p.Cys276Arg)

Gene: PMS2 (PMS1 homolog 2, mismatch repair system component; minus strand). Cytogenetic location: 7p22.1.
Variant type: single nucleotide variant.
Coding change: c.826T>C on transcript NM_000535.7 (MANE Select); coding-DNA position 826, T replaced by C.
Protein change: p.Cys276Arg; replaces cysteine 276 with arginine.
Molecular consequence: missense variant. On other transcripts: 5 prime UTR variant (2), non-coding transcript variant (1).
Genome position (GRCh38, 1-based): chr7:5,995,611, A>G on the plus strand (T>C on the coding strand, the complement: PMS2 is on the minus strand). VCF-style: chr7-5995611-A-G. GRCh37 (hg19) VCF-style: chr7-6035242-A-G.
Other names: c.421T>C, p.Cys141Arg (NM_001322003.2, NM_001322004.2, NM_001322005.2 and 2 more transcripts); c.826T>C, p.Cys276Arg (NM_001322006.2, NM_001322014.2); c.508T>C, p.Cys170Arg (NM_001322007.2, NM_001322008.2); c.-108T>C (NM_001322011.2, NM_001322012.2); c.253T>C, p.Cys85Arg (NM_001322013.2); c.517T>C, p.Cys173Arg (NM_001322015.2); c.826T>C (NM_000535.6); short protein forms C276R, C173R, C141R, C170R, C85R.
Identifiers: ClinVar variation 571426 (VCV000571426.13), dbSNP rs1407229027, ClinGen allele CA366743540.
Genomic context (GRCh38, chr7:5,995,611, plus strand): 5'-GCCGCCGGTTGATAAAGAAAAACTGTCTGTCTGTTGAACTCCTTCCAACTCCATGCGTGC[A>G]TTGTGAAATGAAACCTGAGATGCTATTCAACATTAATATGGTAAGGGCAGGATTCCAGAG-3'
Protein context (NP_000526.2, residues 266-286): LFYISGFISQ[Cys276Arg]THGVGRSSTD

ClinVar aggregate classification (germline): Uncertain significance. Review status: criteria provided, multiple submitters, no conflicts (2 of 4 stars). 4 submissions from 4 submitters: Uncertain significance (4). Last evaluated 2025-11-07.

Conditions:
Hereditary nonpolyposis colorectal neoplasms. Identifiers: MedGen C0009405, MeSH D003123.
Hereditary cancer-predisposing syndrome. Also called: Hereditary neoplastic syndrome; Tumor predisposition; Neoplastic Syndromes, Hereditary; Hereditary Cancer Syndrome. Identifiers: Orphanet 140162, MedGen C0027672, MeSH D009386, MONDO:0015356.

Allele frequency attached by ClinVar (database versions not stated): gnomAD exomes below 0.00001 and 0.00001.
gnomAD v4.1: 2 of 1,613,312 alleles (0.00012%); highest among the groups gnomAD compares: East Asian, 0.0022%; no homozygotes.

Submissions (4):

Quest Diagnostics Nichols Institute San Juan Capistrano
Classification: Uncertain significance. Last evaluated: 2025-11-07. Review status: criteria provided, single submitter. Criteria: Quest Diagnostics criteria. Collection method: clinical testing. Allele origin: unknown.
Comment: The PMS2 c.826T>C (p.Cys276Arg) variant has been reported in the published literature in at least one individual with breast cancer (PMID: 35449176 (20223)) and in a reportedly unaffected individual (PMID: 33471991 (2021), see also LOVD). The frequency of this variant in the general population (Genome Aggregation Database) is uninformative in the assessment of its pathogenicity. Analysis of this variant using bioinformatics tools for the prediction of the effect of amino acid changes on protein structure and function yielded predictions that this variant is benign. Based on the available information, we are unable to determine the clinical significance of this variant.

Ambry Genetics
Classification: Uncertain significance for Hereditary cancer-predisposing syndrome. Last evaluated: 2025-08-30. Review status: criteria provided, single submitter. Criteria: Ambry Variant Classification Scheme 2023. Collection method: clinical testing. Allele origin: germline.
Comment: The p.C276R variant (also known as c.826T>C), located in coding exon 8 of the PMS2 gene, results from a T to C substitution at nucleotide position 826. The cysteine at codon 276 is replaced by arginine, an amino acid with highly dissimilar properties. This amino acid position is conserved. In addition, the in silico prediction for this alteration is inconclusive. Since supporting evidence is limited at this time, the clinical significance of this alteration remains unclear.

Color Diagnostics, LLC DBA Color Health
Classification: Uncertain significance for Hereditary cancer-predisposing syndrome. Last evaluated: 2025-06-11. Review status: criteria provided, single submitter. Criteria: ACMG Guidelines, 2015. Collection method: clinical testing. Allele origin: germline.
Comment: This missense variant replaces cysteine with arginine at codon 276 of the PMS2 protein. Computational prediction is inconclusive regarding the impact of this variant on protein structure and function. To our knowledge, functional studies have not been reported for this variant. This variant has not been reported in individuals affected with PMS2-related disorders in the literature. This variant has been identified in 2/251434 chromosomes in the general population by the Genome Aggregation Database (gnomAD). The available evidence is insufficient to determine the role of this variant in disease conclusively. Therefore, this variant is classified as a Variant of Uncertain Significance.

Labcorp Genetics (formerly Invitae), Labcorp
Classification: Uncertain significance for Hereditary nonpolyposis colorectal neoplasms. Last evaluated: 2025-03-02. Review status: criteria provided, single submitter. Criteria: Invitae Variant Classification Sherloc (09022015). Collection method: clinical testing. Allele origin: germline.
Comment: This sequence change replaces cysteine, which is neutral and slightly polar, with arginine, which is basic and polar, at codon 276 of the PMS2 protein (p.Cys276Arg). This variant is present in population databases (no rsID available, gnomAD 0.006%). This variant has not been reported in the literature in individuals affected with PMS2-related conditions. ClinVar contains an entry for this variant (Variation ID: 571426). Invitae Evidence Modeling incorporating data from in vitro experimental studies (internal data) indicates that this missense variant is not expected to disrupt PMS2 function with a negative predictive value of 95%. In summary, the available evidence is currently insufficient to determine the role of this variant in disease. Therefore, it has been classified as a Variant of Uncertain Significance.

Literature cited by the submitters: PubMed 33471991 (cited by Quest Diagnostics Nichols Institute San Juan Capistrano); PubMed 35449176 (cited by Quest Diagnostics Nichols Institute San Juan Capistrano).